The following is an entry in ClinVar:

NM_002206.3(ITGA7):c.1511A>G (p.Asp504Gly)

Gene: ITGA7 (integrin subunit alpha 7; minus strand). Cytogenetic location: 12q13.2.
Variant type: single nucleotide variant.
Coding change: c.1511A>G on transcript NM_002206.3 (MANE Select); coding-DNA position 1511, A replaced by G.
Protein change: p.Asp504Gly; replaces aspartic acid 504 with glycine.
Molecular consequence: missense variant.
Genome position (GRCh38, 1-based): chr12:55,697,272, T>C on the plus strand (A>G on the coding strand, the complement: ITGA7 is on the minus strand). VCF-style: chr12-55697272-T-C. GRCh37 (hg19) VCF-style: chr12-56091056-T-C.
Other names: c.1511A>G, p.Asp504Gly (NM_001414034.1, NM_001374465.1); c.1172A>G, p.Asp391Gly (NM_001414035.1); c.1523A>G, p.Asp508Gly (NM_001144996.2, NM_001414029.1); c.1232A>G, p.Asp411Gly (NM_001144997.2); c.1184A>G, p.Asp395Gly (NM_001367993.1); c.167A>G, p.Asp56Gly (NM_001367994.1); c.1643A>G, p.Asp548Gly (NM_001410977.1); c.1436A>G, p.Asp479Gly (NM_001414030.1); and 3 more; short protein forms D508G, D411G, D504G, D395G, D56G, D548G, D391G, D443G.
Identifiers: ClinVar variation 659071 (VCV000659071.8), dbSNP rs750220462, ClinGen allele CA6615923.
Genomic context (GRCh38, chr12:55,697,272, plus strand): 5'-TCACCCACAGTAGGGCTATAGCTGCTGGGGACTGCAATGTAGCTGAAACAGACCCTTAGG[T>C]CCACACTGCGGGGGCAAAGGTGGCTCCTGAGCCAAACGAGGCTGATGGGCCAAGGCCCCT-3'
Protein context (NP_002197.2, residues 494-514): NCAGGHSVCV[Asp504Gly]LRVCFSYIAV

ClinVar aggregate classification (germline): Uncertain significance. Review status: criteria provided, multiple submitters, no conflicts (2 of 4 stars). 4 submissions from 4 submitters: Uncertain significance (3). 1 of the submissions does not count toward it. Last evaluated 2025-05-28.

Conditions:
Congenital muscular dystrophy due to integrin alpha-7 deficiency. Also called: MYOPATHY, CONGENITAL, DUE TO INTEGRIN ALPHA-7 DEFICIENCY; Congenital muscular dystrophy with integrin alpha-7 deficiency; Muscular dystrophy, congenital, due to ITGA7 deficiency. Identifiers: Orphanet 34520, MedGen C2750786, MONDO:0013177, OMIM 613204.
ITGA7-related disorder. Also called: ITGA7-related condition.

Allele frequency attached by ClinVar (database versions not stated): gnomAD 0.00001; gnomAD exomes 0.00001; TOPMed 0.00003; ExAC 0.00004.
gnomAD v4.1: 14 of 1,594,290 alleles (0.00088%); highest among the groups gnomAD compares: African/African-American, 0.0013%; no homozygotes.

Submissions (4):

Ambry Genetics
Classification: Uncertain significance. Last evaluated: 2025-05-28. Review status: criteria provided, single submitter. Criteria: Ambry Variant Classification Scheme 2023. Collection method: clinical testing. Allele origin: germline.

Labcorp Genetics (formerly Invitae), Labcorp
Classification: Uncertain significance for Congenital muscular dystrophy due to integrin alpha-7 deficiency. Last evaluated: 2022-06-04. Review status: criteria provided, single submitter. Criteria: Invitae Variant Classification Sherloc (09022015). Collection method: clinical testing. Allele origin: germline.
Comment: This sequence change replaces aspartic acid, which is acidic and polar, with glycine, which is neutral and non-polar, at codon 504 of the ITGA7 protein (p.Asp504Gly). This variant is present in population databases (rs750220462, gnomAD 0.002%). This variant has not been reported in the literature in individuals affected with ITGA7-related conditions. ClinVar contains an entry for this variant (Variation ID: 659071). Algorithms developed to predict the effect of missense changes on protein structure and function are either unavailable or do not agree on the potential impact of this missense change (SIFT: "Tolerated"; PolyPhen-2: "Possibly Damaging"; Align-GVGD: "Class C0"). Algorithms developed to predict the effect of sequence changes on RNA splicing suggest that this variant may disrupt the consensus splice site. In summary, the available evidence is currently insufficient to determine the role of this variant in disease. Therefore, it has been classified as a Variant of Uncertain Significance.

Revvity Omics, Revvity
Classification: Uncertain significance for Congenital muscular dystrophy due to integrin alpha-7 deficiency. Last evaluated: 2019-11-24. Review status: criteria provided, single submitter. Criteria: ACMG Guidelines, 2015. Collection method: clinical testing. Allele origin: germline.

PreventionGenetics, part of Exact Sciences
Classification: Uncertain significance for ITGA7-related condition. Last evaluated: 2024-01-30. Review status: no assertion criteria provided. Collection method: clinical testing. Allele origin: germline. Not counted in ClinVar's aggregate classification.
Comment: The ITGA7 c.1511A>G variant is predicted to result in the amino acid substitution p.Asp504Gly. To our knowledge, this variant has not been reported in the literature. This variant is reported in 0.0031% of alleles in individuals of European (Non-Finnish) descent in gnomAD. At this time, the clinical significance of this variant is uncertain due to the absence of conclusive functional and genetic evidence.